The following is an entry in ClinVar:

ClinVar aggregate classification (germline): Likely benign. Review status: criteria provided, multiple submitters, no conflicts (2 of 4 stars). 2 submissions from 2 submitters: Likely benign (2). Last evaluated 2023-10-06.

Conditions:
Arrhythmogenic right ventricular cardiomyopathy (ARVD). Also called: Cardiomyopathy, ARVC; Arrhythmogenic right ventricular dysplasia; Arrhythmogenic cardiomyopathy; Arrhythmogenic Right Ventricular Cardiomyopathy (ARVC). Identifiers: Orphanet 247, MedGen C0349788, MeSH D019571, MONDO:0016587. Disease mechanism: loss of function. Inheritance: Various modes of inheritance.
Arrhythmogenic right ventricular dysplasia 9 (ARVD9). Also called: Arrhythmogenic Right Ventricular Dysplasia/Cardiomyopathy 9; ARRHYTHMOGENIC RIGHT VENTRICULAR DYSPLASIA, FAMILIAL, 9. Identifiers: MedGen C1836906, MONDO:0012180, OMIM 609040.

Allele frequency attached by ClinVar (database versions not stated): gnomAD exomes 0.00001.
gnomAD v4.1: 14 of 1,614,098 alleles (0.00087%); highest among the groups gnomAD compares: Non-Finnish European, 0.0012%; no homozygotes.

Submissions (2):

All of Us Research Program, National Institutes of Health
Classification: Likely benign for Arrhythmogenic right ventricular cardiomyopathy. Last evaluated: 2023-10-06. Review status: criteria provided, single submitter. Criteria: ACMG Guidelines, 2015. Collection method: clinical testing. Allele origin: germline. Inheritance: Autosomal dominant inheritance. Observed: 1 variant allele, 1 heterozygote.
Comment: This study involves interpretation of variants in research participants for the purpose of population health screening. Participant phenotype was not available at the time of variant classification. Additional details can be found in publication PMID: 35346344, PMCID: PMC8962531

Labcorp Genetics (formerly Invitae), Labcorp
Classification: Likely benign for Arrhythmogenic right ventricular dysplasia 9. Last evaluated: 2021-03-11. Review status: criteria provided, single submitter. Criteria: Invitae Variant Classification Sherloc (09022015). Collection method: clinical testing. Allele origin: germline.

NM_001005242.3(PKP2):c.2007T>C (p.Ser669=)

Gene: PKP2 (plakophilin 2; minus strand). Cytogenetic location: 12p11.21.
Variant type: single nucleotide variant.
Coding change: c.2007T>C on transcript NM_001005242.3 (MANE Select); coding-DNA position 2007, T replaced by C.
Protein change: p.Ser669=; no amino-acid change (serine 669 retained).
Molecular consequence: synonymous variant.
Genome position (GRCh38, 1-based): chr12:32,821,362, A>G on the plus strand (T>C on the coding strand, the complement: PKP2 is on the minus strand). VCF-style: chr12-32821362-A-G. GRCh37 (hg19) VCF-style: chr12-32974296-A-G.
Other names: c.2139T>C, p.Ser713= (NM_004572.4).
Identifiers: ClinVar variation 1540148 (VCV001540148.4), dbSNP rs2137772710, ClinGen allele CA479176062.